The following is an entry in ClinVar:

ClinVar aggregate classification (germline): Pathogenic/Likely pathogenic. Review status: criteria provided, multiple submitters, no conflicts (2 of 4 stars). 3 submissions from 3 submitters: Pathogenic (2); Likely pathogenic (1). Last evaluated 2025-05-07.

Conditions:
SLC24A1-related disorder. Also called: SLC24A1-related condition.

Allele frequency attached by ClinVar (database versions not stated): gnomAD exomes below 0.00001 and 0.00002; gnomAD 0.00001; TOPMed 0.00001.
gnomAD v4.1: 35 of 1,613,780 alleles (0.0022%); highest among the groups gnomAD compares: Non-Finnish European, 0.003%; no homozygotes.

Submissions (3):

Labcorp Genetics (formerly Invitae), Labcorp
Classification: Pathogenic. Last evaluated: 2025-05-07. Review status: criteria provided, single submitter. Criteria: Invitae Variant Classification Sherloc (09022015). Collection method: clinical testing. Allele origin: germline.
Comment: This sequence change creates a premature translational stop signal (p.Gln58*) in the SLC24A1 gene. It is expected to result in an absent or disrupted protein product. Loss-of-function variants in SLC24A1 are known to be pathogenic (PMID: 20850105, 26822852). This variant is present in population databases (no rsID available, gnomAD 0.0009%). This variant has not been reported in the literature in individuals affected with SLC24A1-related conditions. ClinVar contains an entry for this variant (Variation ID: 962672). For these reasons, this variant has been classified as Pathogenic.

Institute of Medical Genetics and Applied Genomics, University Hospital Tübingen
Classification: Pathogenic. Last evaluated: 2021-09-15. Review status: criteria provided, single submitter. Criteria: ACMG Guidelines, 2015. Collection method: clinical testing. Allele origin: germline. Inheritance: Autosomal recessive inheritance. Affected: yes.

Blueprint Genetics
Classification: Likely pathogenic for SLC24A1-related disorders. Last evaluated: 2019-08-29. Review status: criteria provided, single submitter. Criteria: ACMG Guidelines, 2015. Collection method: clinical testing. Allele origin: germline. Affected: yes. Observed: 1 variant allele.

Literature cited by the submitters: PubMed 20850105 (cited by Labcorp Genetics (formerly Invitae), Labcorp); PubMed 26822852 (cited by Labcorp Genetics (formerly Invitae), Labcorp).

NM_004727.3(SLC24A1):c.172C>T (p.Gln58Ter)

Gene: SLC24A1 (solute carrier family 24 member 1; plus strand). Cytogenetic location: 15q22.31.
Variant type: single nucleotide variant.
Coding change: c.172C>T on transcript NM_004727.3 (MANE Select); coding-DNA position 172, C replaced by T.
Protein change: p.Gln58Ter; replaces glutamine 58 with a stop codon.
Molecular consequence: nonsense.
Genome position (GRCh38, 1-based): chr15:65,624,252, C>T. VCF-style: chr15-65624252-C-T. GRCh37 (hg19) VCF-style: chr15-65916590-C-T.
Other names: c.172C>T, p.Gln58Ter (NM_001301031.1, NM_001301032.1, NM_001301033.2); short protein forms Q58*.
Identifiers: ClinVar variation 962672 (VCV000962672.10), dbSNP rs1289546006, ClinGen allele CA392912565.